The following is an entry in ClinVar:

ClinVar aggregate classification (germline): Conflicting classifications of pathogenicity. Review status: criteria provided, conflicting classifications (1 of 4 stars). 7 submissions from 7 submitters: Uncertain significance (1); Benign (1); Likely benign (4). 1 of the submissions does not count toward it. Last evaluated 2025-12-21.

Conditions:
TTBK2-related disorder. Also called: TTBK2-related condition.
Inborn genetic diseases. Identifiers: MedGen C0950123, MeSH D030342.
Spinocerebellar ataxia type 11 (SCA11). Identifiers: Orphanet 98767, MedGen C1858351, MONDO:0011464, OMIM 604432.

Allele frequency attached by ClinVar (database versions not stated): TOPMed 0.00022; gnomAD exomes 0.00025 and 0.00037; gnomAD 0.00027 and 0.00029; ExAC 0.00035; ESP Exome Variant Server 0.00041.
gnomAD v4.1: 407 of 1,614,054 alleles (0.025%); highest among the groups gnomAD compares: Non-Finnish European, 0.026%; no homozygotes.

Submissions (7):

Labcorp Genetics (formerly Invitae), Labcorp
Classification: Likely benign. Last evaluated: 2025-12-21. Review status: criteria provided, single submitter. Criteria: Invitae Variant Classification Sherloc (09022015). Collection method: clinical testing. Allele origin: germline.

CeGaT Center for Human Genetics Tuebingen
Classification: Likely benign. Last evaluated: 2025-12-01. Review status: criteria provided, single submitter. Criteria: CeGaT Center For Human Genetics Tuebingen Variant Classification Criteria Version 2. Collection method: clinical testing. Allele origin: germline. Affected: yes. Observed: 3 variant alleles.
Comment: TTBK2: BP4

Blueprint Genetics
Classification: Likely benign. Last evaluated: 2024-11-22. Review status: criteria provided, single submitter. Criteria: ACMG Guidelines, 2015. Collection method: clinical testing. Allele origin: germline.

Ambry Genetics
Classification: Uncertain significance for Inborn genetic diseases. Last evaluated: 2022-03-16. Review status: criteria provided, single submitter. Criteria: Ambry Variant Classification Scheme 2023. Collection method: clinical testing. Allele origin: germline.

Athena Diagnostics
Classification: Benign. Last evaluated: 2021-05-26. Review status: criteria provided, single submitter. Criteria: Athena Diagnostics criteria. Collection method: clinical testing. Allele origin: unknown.

Illumina Laboratory Services, Illumina
Classification: Likely benign for Spinocerebellar ataxia type 11. Last evaluated: 2018-01-13. Review status: criteria provided, single submitter. Criteria: ICSL Variant Classification Criteria 13 December 2019. Collection method: clinical testing. Allele origin: germline.
Comment: This variant was observed in the ICSL laboratory as part of a predisposition screen in an ostensibly healthy population. It had not been previously curated by ICSL or reported in the Human Gene Mutation Database (HGMD: prior to June 1st, 2018), and was therefore a candidate for classification through an automated scoring system. Utilizing variant allele frequency, disease prevalence and penetrance estimates, and inheritance mode, an automated score was calculated to assess if this variant is too frequent to cause the disease. Based on the score and internal cut-off values, a variant classified as likely benign is not then subjected to further curation. The score for this variant resulted in a classification of likely benign for this disease.

PreventionGenetics, part of Exact Sciences
Classification: Likely benign for TTBK2-related condition. Last evaluated: 2019-08-26. Review status: no assertion criteria provided. Collection method: clinical testing. Allele origin: germline. Not counted in ClinVar's aggregate classification.
Comment: This variant is classified as likely benign based on ACMG/AMP sequence variant interpretation guidelines (Richards et al. 2015 PMID: 25741868, with internal and published modifications).

NM_173500.4(TTBK2):c.1555G>C (p.Ala519Pro)

Gene: TTBK2 (tau tubulin kinase 2; minus strand). Cytogenetic location: 15q15.2.
Variant type: single nucleotide variant.
Coding change: c.1555G>C on transcript NM_173500.4 (MANE Select); coding-DNA position 1555, G replaced by C.
Protein change: p.Ala519Pro; replaces alanine 519 with proline.
Molecular consequence: missense variant.
Genome position (GRCh38, 1-based): chr15:42,775,578, C>G on the plus strand (G>C on the coding strand, the complement: TTBK2 is on the minus strand). VCF-style: chr15-42775578-C-G. GRCh37 (hg19) VCF-style: chr15-43067776-C-G.
Other names: short protein forms A519P.
Identifiers: ClinVar variation 315992 (VCV000315992.55), dbSNP rs200124857, ClinGen allele CA7516869.
Genomic context (GRCh38, chr15:42,775,578, plus strand): 5'-TAACAGCTATAAATCCATTGCTGCCACCACCATCTGCCTGCTCAGGGGTGTTGGCAGAAG[C>G]AGGCTTGGAGGCATCTGGAAGATATTCTTCATCATAGTGCCAGATGTGGTCAGTACGGGA-3'
Protein context (NP_775771.3, residues 509-529): EEYLPDASKP[Ala519Pro]SANTPEQADG